The following is an entry in ClinVar:

NM_000059.4(BRCA2):c.6466T>G (p.Ser2156Ala)

Gene: BRCA2 (BRCA2 DNA repair associated; plus strand). Cytogenetic location: 13q13.1.
Variant type: single nucleotide variant.
Coding change: c.6466T>G on transcript NM_000059.4 (MANE Select); coding-DNA position 6466, T replaced by G.
Protein change: p.Ser2156Ala; replaces serine 2156 with alanine.
Molecular consequence: missense variant.
Genome position (GRCh38, 1-based): chr13:32,340,821, T>G. VCF-style: chr13-32340821-T-G. GRCh37 (hg19) VCF-style: chr13-32914958-T-G.
Other names: c.6466T>G, p.Ser2156Ala (NM_001406719.1, NM_001406720.1); short protein forms S2156A.
Identifiers: ClinVar variation 1716680 (VCV001716680.7), dbSNP rs2137527843, ClinGen allele CA387789384.
Genomic context (GRCh38, chr13:32,340,821, plus strand): 5'-TTAAATGTTGAAGGTGGTTCTTCAGAAAATAATCACTCTATTAAAGTTTCTCCATATCTC[T>G]CTCAATTTCAACAAGACAAACAACAGTTGGTATTAGGAACCAAAGTGTCACTTGTTGAGA-3'
Protein context (NP_000050.3, residues 2146-2166): NHSIKVSPYL[Ser2156Ala]QFQQDKQQLV

ClinVar aggregate classification (germline): Conflicting classifications of pathogenicity. Review status: criteria provided, conflicting classifications (1 of 4 stars). 2 submissions from 2 submitters: Uncertain significance (1); Likely benign (1). Last evaluated 2023-03-23.

Conditions:
Hereditary cancer-predisposing syndrome. Also called: Hereditary neoplastic syndrome; Neoplastic Syndromes, Hereditary; Hereditary Cancer Syndrome; Tumor predisposition. Identifiers: Orphanet 140162, MedGen C0027672, MeSH D009386, MONDO:0015356.
Hereditary breast ovarian cancer syndrome. Also called: BRCA1- and BRCA2-Associated Hereditary Breast and Ovarian Cancer; Hereditary breast and ovarian cancer syndrome (HBOC); Hereditary breast and/or ovarian cancer syndrome; Hereditary breast and ovarian cancer syndrome; Hereditary breast and ovarian cancer; Breast and ovarian cancer. Identifiers: Orphanet 145, MedGen C0677776, MeSH D061325, MONDO:0003582. Disease mechanism: loss of function.

Submissions (2):

University of Washington Department of Laboratory Medicine, University of Washington
Classification: Likely benign for Hereditary cancer-predisposing syndrome. Last evaluated: 2023-03-23. Review status: criteria provided, single submitter. Criteria: Dines et al. (Genet Med. 2020). Collection method: curation. Allele origin: germline.
Comment: Missense variant in a coldspot region where missense variants are very unlikely to be pathogenic (PMID:31911673).

BRCA2 exon 11 coldspot. Reclassification based on statistical prior probability.

Labcorp Genetics (formerly Invitae), Labcorp
Classification: Uncertain significance for Hereditary breast ovarian cancer syndrome. Last evaluated: 2022-08-18. Review status: criteria provided, single submitter. Criteria: Invitae Variant Classification Sherloc (09022015). Collection method: clinical testing. Allele origin: germline.
Comment: Advanced modeling of protein sequence and biophysical properties (such as structural, functional, and spatial information, amino acid conservation, physicochemical variation, residue mobility, and thermodynamic stability) performed at Invitae indicates that this missense variant is not expected to disrupt BRCA2 protein function. In summary, the available evidence is currently insufficient to determine the role of this variant in disease. Therefore, it has been classified as a Variant of Uncertain Significance. This variant has not been reported in the literature in individuals affected with BRCA2-related conditions. This variant is not present in population databases (gnomAD no frequency). This sequence change replaces serine, which is neutral and polar, with alanine, which is neutral and non-polar, at codon 2156 of the BRCA2 protein (p.Ser2156Ala).